The following is an entry in ClinVar:

NM_000093.5(COL5A1):c.1920C>T (p.Gly640=)

Gene: COL5A1 (collagen type V alpha 1 chain; plus strand). Cytogenetic location: 9q34.3.
Variant type: single nucleotide variant.
Coding change: c.1920C>T on transcript NM_000093.5 (MANE Select); coding-DNA position 1920, C replaced by T.
Protein change: p.Gly640=; no amino-acid change (glycine 640 retained).
Molecular consequence: synonymous variant.
Genome position (GRCh38, 1-based): chr9:134,758,281, C>T. VCF-style: chr9-134758281-C-T. GRCh37 (hg19) VCF-style: chr9-137650127-C-T.
Other names: c.1920C>T, p.Gly640= (NM_001278074.1).
Identifiers: ClinVar variation 409096 (VCV000409096.9), dbSNP rs781663334, ClinGen allele CA5319035.

ClinVar aggregate classification (germline): Uncertain significance. Review status: criteria provided, multiple submitters, no conflicts (2 of 4 stars). 2 submissions from 2 submitters: Uncertain significance (2). Last evaluated 2024-11-30.

Conditions:
Ehlers-Danlos syndrome, classic type, 1 (EDSCL1). Also called: EHLERS-DANLOS SYNDROME, GRAVIS TYPE; EHLERS-DANLOS SYNDROME, SEVERE CLASSIC TYPE; Ehlers-Danlos Syndrome, Classic Type, COL5A1-Related; EDS I; Ehlers-Danlos syndrome, type 1. Identifiers: MedGen C0268335, MONDO:0019567, OMIM 130000.

Allele frequency attached by ClinVar (database versions not stated): TOPMed 0.00002.
gnomAD v4.1: 42 of 1,613,736 alleles (0.0026%); highest among the groups gnomAD compares: Middle Eastern, 0.016%; no homozygotes.

Submissions (2):

Labcorp Genetics (formerly Invitae), Labcorp
Classification: Uncertain significance for Ehlers-Danlos syndrome, classic type, 1. Last evaluated: 2024-11-30. Review status: criteria provided, single submitter. Criteria: Invitae Variant Classification Sherloc (09022015). Collection method: clinical testing. Allele origin: germline.
Comment: This sequence change affects codon 640 of the COL5A1 mRNA. It is a 'silent' change, meaning that it does not change the encoded amino acid sequence of the COL5A1 protein. This variant is present in population databases (rs781663334, gnomAD 0.003%). This variant has not been reported in the literature in individuals affected with COL5A1-related conditions. ClinVar contains an entry for this variant (Variation ID: 409096). Algorithms developed to predict the effect of sequence changes on RNA splicing suggest that this variant may disrupt the consensus splice site. In summary, the available evidence is currently insufficient to determine the role of this variant in disease. Therefore, it has been classified as a Variant of Uncertain Significance.

ARUP Laboratories, Molecular Genetics and Genomics, ARUP Laboratories
Classification: Uncertain significance. Last evaluated: 2023-08-14. Review status: criteria provided, single submitter. Criteria: ARUP Molecular Germline Variant Investigation Process 2024. Collection method: clinical testing. Allele origin: germline.
Comment: The COL5A1 c.1920C>T; p.Gly640= variant (rs781663334), to our knowledge, is not reported in the medical literature but is reported in ClinVar (Variation ID: 409096). This variant is found in the general population with an overall allele frequency of 0.0016% (4/250,954 alleles) in the Genome Aggregation Database. This is a synonymous variant in a weakly conserved nucleotide, but computational analyses (Alamut Visual Plus v.1.5.1) predict that this variant may impact splicing by creating a novel cryptic donor splice site. However, given the lack of clinical and functional data, the significance of this variant is uncertain at this time.